The following is an entry in ClinVar:

ClinVar aggregate classification (germline): Uncertain significance (1 of 4 stars; one submission).

Conditions:
Usher syndrome type 2C. Also called: Usher syndrome, type 2B; USHER SYNDROME, TYPE IIC. Identifiers: Orphanet 231178, Orphanet 886, MedGen C2931213, MONDO:0011558, OMIM 605472.
Febrile seizures, familial, 4 (FEB4). Also called: CONVULSIONS, FAMILIAL FEBRILE, 4. Identifiers: MedGen C1858493, MONDO:0011443, OMIM 604352.

gnomAD v4.1: 1 of 1,610,872 alleles (0.000062%); highest among the groups gnomAD compares: Non-Finnish European, 0.000085%; no homozygotes.

Submission:

Juno Genomics, Hangzhou Juno Genomics, Inc
Classification: Uncertain significance for Usher syndrome type 2C; Febrile seizures, familial, 4. Review status: criteria provided, single submitter. Criteria: ACMG Guidelines, 2015. Collection method: clinical testing. Allele origin: germline.
Comment: Absent from controls (or at extremely low frequency if recessive) in Genome Aggregation Database.;Multiple lines of computational evidence support a deleterious effect on the gene or gene product.

NM_032119.4(ADGRV1):c.6500A>G (p.Tyr2167Cys)

Gene: ADGRV1 (adhesion G protein-coupled receptor V1; plus strand). Cytogenetic location: 5q14.3.
Variant type: single nucleotide variant.
Coding change: c.6500A>G on transcript NM_032119.4 (MANE Select); coding-DNA position 6500, A replaced by G.
Protein change: p.Tyr2167Cys; replaces tyrosine 2167 with cysteine.
Molecular consequence: missense variant. On other transcripts: non-coding transcript variant (1).
Genome position (GRCh38, 1-based): chr5:90,689,870, A>G. VCF-style: chr5-90689870-A-G. GRCh37 (hg19) VCF-style: chr5-89985687-A-G.
Other names: short protein forms Y2167C.
Identifiers: ClinVar variation 5019500 (VCV005019500.2).